The following is an entry in ClinVar:

ClinVar aggregate classification (germline): Conflicting classifications of pathogenicity. Review status: criteria provided, conflicting classifications (1 of 4 stars). 2 submissions from 2 submitters: Uncertain significance (1); Likely benign (1). Last evaluated 2024-10-05.

Submissions (2):

Labcorp Genetics (formerly Invitae), Labcorp
Classification: Likely benign. Last evaluated: 2024-10-05. Review status: criteria provided, single submitter. Criteria: Invitae Variant Classification Sherloc (09022015). Collection method: clinical testing. Allele origin: germline.

GeneDx
Classification: Uncertain significance. Last evaluated: 2022-09-14. Review status: criteria provided, single submitter. Criteria: GeneDx Variant Classification Process June 2021. Collection method: clinical testing. Allele origin: germline. Affected: yes.
Comment: Not observed at significant frequency in large population cohorts (gnomAD); In silico analysis supports that this variant does not alter protein structure/function; Has not been previously published as pathogenic or benign to our knowledge

NM_001367624.2(ZNF469):c.4343_4344delinsTA (p.Pro1448Leu)

Gene: ZNF469 (zinc finger protein 469; plus strand). Cytogenetic location: 16q24.2.
Variant type: Indel.
Coding change: c.4343_4344delinsTA on transcript NM_001367624.2 (MANE Select); coding-DNA positions 4343 to 4344, CG replaced by TA.
Protein change: p.Pro1448Leu; replaces proline 1448 with leucine.
Molecular consequence: missense variant.
Genome position (GRCh38, 1-based): chr16:88,431,813-88,431,814, CG replaced by TA. VCF-style: chr16-88431813-CG-TA. GRCh37 (hg19) VCF-style: chr16-88498221-CG-TA.
Other names: NM_001127464.1:c.4259_4260delinsTA; short protein forms P1448L.
Identifiers: ClinVar variation 2444712 (VCV002444712.4), dbSNP rs2507587176, ClinGen allele CA2580092219.
Genomic context (GRCh38, chr16:88,431,813, plus strand): 5'-AGCTGCCAAGGAGCCCACCTGGCACCGCTGAGACGGAGCCAGGCAGGGCTGCATCGCCAC[CG>TA]ACCTTGGAGTCCTCATCCCTCTTCCCAGACCTGCCGGTGGACAGATTCGACCCACCCCTC-3'
Protein context (NP_001354553.1, residues 1438-1458): ETEPGRAASP[Pro1448Leu]TLESSSLFPD